The following is an entry in ClinVar:

ClinVar aggregate classification (germline): Uncertain significance (1 of 4 stars; one submission).

Conditions:
Carney complex, type 1 (CNC1). Also called: CARNEY COMPLEX, TYPE I; CARNEY MYXOMA-ENDOCRINE COMPLEX. Identifiers: Orphanet 1359, MedGen C2607929, MONDO:0008057, OMIM 160980.

Submission:

Labcorp Genetics (formerly Invitae), Labcorp
Classification: Uncertain significance for Carney complex, type 1. Last evaluated: 2025-11-22. Review status: criteria provided, single submitter. Criteria: Invitae Variant Classification Sherloc (09022015). Collection method: clinical testing. Allele origin: germline.
Comment: This variant occurs in a non-coding region of the PRKAR1A gene. It does not change the encoded amino acid sequence of the PRKAR1A protein. This variant is not present in population databases (gnomAD no frequency). This variant has not been reported in the literature in individuals affected with PRKAR1A-related conditions. In summary, the available evidence is currently insufficient to determine the role of this variant in disease. Therefore, it has been classified as a Variant of Uncertain Significance.

NM_002734.5(PRKAR1A):c.-9C>T

Gene: PRKAR1A (protein kinase cAMP-dependent type I regulatory subunit alpha; plus strand). Cytogenetic location: 17q24.2.
Variant type: single nucleotide variant.
Coding change: c.-9C>T on transcript NM_002734.5 (MANE Select); 9 bases upstream of the start codon, C replaced by T.
Molecular consequence: 5 prime UTR variant. On other transcripts: intron variant (3).
Genome position (GRCh38, 1-based): chr17:68,512,546, C>T. VCF-style: chr17-68512546-C-T. GRCh37 (hg19) VCF-style: chr17-66508687-C-T.
Other names: c.-142C>T (NM_001276289.2); c.-40C>T (NM_212472.2); c.-6-2848C>T (NM_001278433.2); c.-140+404C>T (NM_001369389.1); c.-7+404C>T (NM_212471.3).
Identifiers: ClinVar variation 4731669 (VCV004731669.1).